The following is an entry in ClinVar:

NM_000539.3(RHO):c.896C>A (p.Ala299Asp)

Gene: RHO (rhodopsin; plus strand). Cytogenetic location: 3q22.1.
Variant type: single nucleotide variant.
Coding change: c.896C>A on transcript NM_000539.3 (MANE Select); coding-DNA position 896, C replaced by A.
Protein change: p.Ala299Asp; replaces alanine 299 with aspartic acid.
Molecular consequence: missense variant.
Genome position (GRCh38, 1-based): chr3:129,532,732, C>A. VCF-style: chr3-129532732-C-A. GRCh37 (hg19) VCF-style: chr3-129251575-C-A.
Other names: short protein forms A299D.
Identifiers: ClinVar variation 4710029 (VCV004710029.1).

ClinVar aggregate classification (germline): Uncertain significance (1 of 4 stars; one submission).

Submission:

Labcorp Genetics (formerly Invitae), Labcorp
Classification: Uncertain significance. Last evaluated: 2026-02-02. Review status: criteria provided, single submitter. Criteria: Invitae Variant Classification Sherloc (09022015). Collection method: clinical testing. Allele origin: germline.
Comment: This sequence change replaces alanine, which is neutral and non-polar, with aspartic acid, which is acidic and polar, at codon 299 of the RHO protein (p.Ala299Asp). This variant is not present in population databases (gnomAD no frequency). This missense change has been observed in individual(s) with retinitis pigmentosa (PMID: 37734845). Invitae Evidence Modeling of protein sequence and biophysical properties (such as structural, functional, and spatial information, amino acid conservation, physicochemical variation, residue mobility, and thermodynamic stability) indicates that this missense variant is expected to disrupt RHO protein function with a positive predictive value of 95%. In summary, the available evidence is currently insufficient to determine the role of this variant in disease. Therefore, it has been classified as a Variant of Uncertain Significance.

Literature cited by the submitters: PubMed 37734845.